The following is an entry in ClinVar:

NM_000535.7(PMS2):c.2308T>A (p.Leu770Met)

Gene: PMS2 (PMS1 homolog 2, mismatch repair system component; minus strand). Cytogenetic location: 7p22.1.
Variant type: single nucleotide variant.
Coding change: c.2308T>A on transcript NM_000535.7 (MANE Select); coding-DNA position 2308, T replaced by A.
Protein change: p.Leu770Met; replaces leucine 770 with methionine.
Molecular consequence: missense variant. On other transcripts: intron variant (2).
Genome position (GRCh38, 1-based): chr7:5,977,725, A>T on the plus strand (T>A on the coding strand, the complement: PMS2 is on the minus strand). VCF-style: chr7-5977725-A-T. GRCh37 (hg19) VCF-style: chr7-6017356-A-T.
Other names: c.1903T>A, p.Leu635Met (NM_001322003.2, NM_001322004.2, NM_001322005.2 and 11 more transcripts); c.2152T>A, p.Leu718Met (NM_001322006.2); c.1990T>A, p.Leu664Met (NM_001322007.2, NM_001322008.2, NM_001406883.1); c.1936T>A, p.Leu646Met (NM_001322009.2, NM_001406887.1, NM_001406888.1); c.1747T>A, p.Leu583Met (NM_001322010.2, NM_001406906.1, NM_001406907.1); c.1375T>A, p.Leu459Met (NM_001322011.2, NM_001322012.2); c.1735T>A, p.Leu579Met (NM_001322013.2, NM_001406908.1, NM_001406909.1); c.2341T>A, p.Leu781Met (NM_001322014.2); and 20 more; short protein forms L608M, L615M, L646M, L648M, L658M, L714M, L729M, L369M.
Identifiers: ClinVar variation 4667775 (VCV004667775.1).

ClinVar aggregate classification (germline): Uncertain significance (1 of 4 stars; one submission).

Conditions:
Hereditary cancer-predisposing syndrome. Also called: Neoplastic Syndromes, Hereditary; Tumor predisposition; Hereditary Cancer Syndrome; Hereditary neoplastic syndrome. Identifiers: Orphanet 140162, MedGen C0027672, MeSH D009386, MONDO:0015356.

Submission:

Ambry Genetics
Classification: Uncertain significance for Hereditary cancer-predisposing syndrome. Last evaluated: 2025-12-07. Review status: criteria provided, single submitter. Criteria: Ambry Variant Classification Scheme 2023. Collection method: clinical testing. Allele origin: germline.
Comment: The p.L770M variant (also known as c.2308T>A), located in coding exon 14 of the PMS2 gene, results from a T to A substitution at nucleotide position 2308. The leucine at codon 770 is replaced by methionine, an amino acid with highly similar properties. This amino acid position is conserved. In addition, the in silico prediction for this alteration is inconclusive. Based on the available evidence, the clinical significance of this variant remains unclear.